The following is an entry in ClinVar:

NM_000051.4(ATM):c.7996A>G (p.Thr2666Ala)

Genes: ATM (ATM serine/threonine kinase; plus strand), C11orf65 (chromosome 11 open reading frame 65; minus strand). Cytogenetic location: 11q22.3.
Variant type: single nucleotide variant.
Coding change: c.7996A>G on transcript NM_000051.4 (MANE Select); coding-DNA position 7996, A replaced by G.
Protein change: p.Thr2666Ala; replaces threonine 2666 with alanine.
Molecular consequence: missense variant. On other transcripts: intron variant (2).
Genome position (GRCh38, 1-based): chr11:108,333,954, A>G. VCF-style: chr11-108333954-A-G. GRCh37 (hg19) VCF-style: chr11-108204681-A-G.
Other names: c.7996A>G, p.Thr2666Ala (NM_001351834.2); c.641-24883T>C (NM_001330368.2); c.*38+1266T>C (NM_001351110.2); short protein forms T2666A.
Identifiers: ClinVar variation 219594 (VCV000219594.24), dbSNP rs745775382, ClinGen allele CA349494.

ClinVar aggregate classification (germline): Conflicting classifications of pathogenicity. Review status: criteria provided, conflicting classifications (1 of 4 stars). 5 submissions from 5 submitters: Likely pathogenic (1); Uncertain significance (3). 1 of the submissions does not count toward it. Last evaluated 2025-11-18.

Conditions:
Hereditary cancer-predisposing syndrome. Also called: Neoplastic Syndromes, Hereditary; Hereditary neoplastic syndrome; Tumor predisposition; Hereditary Cancer Syndrome. Identifiers: Orphanet 140162, MedGen C0027672, MeSH D009386, MONDO:0015356.
Ataxia-telangiectasia syndrome (AT). Also called: Ataxia telangiectasia (A-T); Cerebello-oculocutaneous telangiectasia; Immunodeficiency with ataxia telangiectasia; LOUIS-BAR SYNDROME; AT, COMPLEMENTATION GROUP C; ATAXIA-TELANGIECTASIA, FRESNO VARIANT. Identifiers: Orphanet 100, MedGen C0004135, MONDO:0008840, OMIM 208900.
Malignant tumor of breast. Also called: Malignant breast neoplasm; Cancer breast. Identifiers: MedGen C0006142, MONDO:0007254. Disease mechanism: loss of function.

Allele frequency attached by ClinVar (database versions not stated): TOPMed below 0.00001; ExAC 0.00002; gnomAD exomes 0.00001.
gnomAD v4.1: 4 of 1,609,918 alleles (0.00025%); highest among the groups gnomAD compares: Non-Finnish European, 0.00034%; no homozygotes.

Submissions (5):

Women's Health and Genetics/Laboratory Corporation of America, LabCorp
Classification: Uncertain significance. Last evaluated: 2025-11-18. Review status: criteria provided, single submitter. Criteria: LabCorp Variant Classification Summary - May 2015. Collection method: clinical testing. Allele origin: germline.
Comment: Variant summary: ATM c.7996A>G (p.Thr2666Ala) results in a non-conservative amino acid change in the encoded protein sequence. Algorithms developed to predict the effect of missense changes on protein structure and function all suggest that this variant is likely to be disruptive. The variant allele was found at a frequency of 1.4e-05 in 280173 control chromosomes. The available data on variant occurrences in the general population are insufficient to allow any conclusion about variant significance. c.7996A>G has been reported in the literature in individuals affected with breast cancer (e.g. Park_2015, Momozawa_2018), lung cancer (e.g. Davies_2005), CLL (e.g. Navrkalova_2013), and biliary tract cancer (e.g. Okawa_2023) without strong evidence for causality due to absence of co-segregation. This variant has also been reported in the presumed compound heterozygous state in the literature in at least 1 individual from a cohort with suspected Ataxia-Telangiectasia, however it was not clear whether they were included solely based on genotypic information (example, Magnarelli_2025). Therefore, these report(s) do not provide unequivocal conclusions about association of the variant with ATM-related conditions. At least three publications report experimental evidence evaluating an impact on protein function, however, none of these studies allows convincing conclusions about the variant effect (Navrkalova_2013, Riabinska_2013, Weber_2016). The following publications have been ascertained in the context of this evaluation (PMID: 16140923, 23836671, 17344846, 25925381, 30287823, 23585524, 36243179, 26009992, 23761041, 29415044, 28652578, 25523272, 22585170, 27602502, 38489015, 29681454, 32065847, 31278869, 35752529, 38927753, 37663435, 40275070, 37097610, 31054420, 39521281, 36409970). ClinVar contains an entry for this variant (Variation ID: 219594). Based on the evidence outlined above, the variant was classified as uncertain significance.

Labcorp Genetics (formerly Invitae), Labcorp
Classification: Likely pathogenic for Ataxia-telangiectasia syndrome. Last evaluated: 2025-07-02. Review status: criteria provided, single submitter. Criteria: Invitae Variant Classification Sherloc (09022015). Collection method: clinical testing. Allele origin: germline.
Comment: This sequence change replaces threonine, which is neutral and polar, with alanine, which is neutral and non-polar, at codon 2666 of the ATM protein (p.Thr2666Ala). This variant is present in population databases (rs745775382, gnomAD 0.002%). This missense change has been observed in individual(s) with breast cancer (PMID: 30287823). ClinVar contains an entry for this variant (Variation ID: 219594). Invitae Evidence Modeling of protein sequence and biophysical properties (such as structural, functional, and spatial information, amino acid conservation, physicochemical variation, residue mobility, and thermodynamic stability) indicates that this missense variant is expected to disrupt ATM protein function with a positive predictive value of 95%. This variant disrupts the p.Thr2666 amino acid residue in ATM. Other variant(s) that disrupt this residue have been determined to be pathogenic (PMID: 26633542; external communication). This suggests that this residue is clinically significant, and that variants that disrupt this residue are likely to be disease-causing. In summary, the currently available evidence indicates that the variant is pathogenic, but additional data are needed to prove that conclusively. Therefore, this variant has been classified as Likely Pathogenic.

Ambry Genetics
Classification: Uncertain significance for Hereditary cancer-predisposing syndrome. Last evaluated: 2025-02-27. Review status: criteria provided, single submitter. Criteria: Ambry Variant Classification Scheme 2023. Collection method: clinical testing. Allele origin: germline.
Comment: The p.T2666A variant (also known as c.7996A>G), located in coding exon 53 of the ATM gene, results from an A to G substitution at nucleotide position 7996. The threonine at codon 2666 is replaced by alanine, an amino acid with similar properties. This amino acid position is highly conserved in available vertebrate species. In addition, this alteration is predicted to be deleterious by in silico analysis. Based on the available evidence, the clinical significance of this variant remains unclear.

Color Diagnostics, LLC DBA Color Health
Classification: Uncertain significance for Hereditary cancer-predisposing syndrome. Last evaluated: 2024-04-30. Review status: criteria provided, single submitter. Criteria: ACMG Guidelines, 2015. Collection method: clinical testing. Allele origin: germline.
Comment: This missense variant replaces threonine with alanine at codon 2666 of the ATM protein. Computational prediction suggests that this variant may have deleterious impact on protein structure and function. To our knowledge, functional studies have not been reported for this variant. This variant has been reported in an individual affected with breast cancer (PMID: 30287823) and a healthy control (PMID: 33471991). This variant has been identified in 2/251092 chromosomes in the general population by the Genome Aggregation Database (gnomAD). The available evidence is insufficient to determine the role of this variant in disease conclusively. Therefore, this variant is classified as a Variant of Uncertain Significance.

Department of Pathology and Laboratory Medicine, Sinai Health System
Classification: Uncertain significance for Malignant tumor of breast. Review status: no assertion criteria provided. Collection method: clinical testing. Allele origin: unknown. Affected: yes. Study: The Canadian Open Genetics Repository (COGR). Not counted in ClinVar's aggregate classification.
Comment: The ATM p.Thr2666Ala variant was identified in 3 of 14382 proband chromosomes (frequency: 0.0002) from individuals or families with breast cancer or chronic lymphocytic leukemia and was not identified in 22482 control chromosomes from healthy individuals (Momozawa 2018, Navrkalova 2013). The variant was also identified in dbSNP (ID: rs745775382) as "With Uncertain significance allele", ClinVar (classified as uncertain significance by Invitae and Ambry Genetics), and in LOVD 3.0 (1x as uncertain significance). The variant was identified in 2 of 245914 chromosomes at a frequency of 0.000008 (Genome Aggregation Database Feb 27, 2017). The variant was observed in European population in 2 of 111422 chromosomes (freq: 0.00002), but not in the African, Other, Latino, Ashkenazi Jewish, East Asian, Finnish, or South Asian populations. The p.Thr2666 residue is conserved across mammals and other organisms, and four out of five computational analyses (PolyPhen-2, SIFT, AlignGVGD, BLOSUM, MutationTaster) suggest that the variant may impact the protein; however, this information is not predictive enough to assume pathogenicity. The variant occurs outside of the splicing consensus sequence and in silico or computational prediction software programs (SpliceSiteFinder, MaxEntScan, NNSPLICE, GeneSplicer) do not predict a difference in splicing. In summary, based on the above information, the clinical significance of this variant cannot be determined with certainty at this time. This variant is classified as a variant of uncertain significance.

Literature cited by the submitters: PubMed 17344846 (cited by Women's Health and Genetics/Laboratory Corporation of America, LabCorp); PubMed 26009992 (cited by Women's Health and Genetics/Laboratory Corporation of America, LabCorp); PubMed 25523272 (cited by Women's Health and Genetics/Laboratory Corporation of America, LabCorp); PubMed 23585524 (cited by Women's Health and Genetics/Laboratory Corporation of America, LabCorp); PubMed 28652578 (cited by Women's Health and Genetics/Laboratory Corporation of America, LabCorp); PubMed 30287823 (cited by 3 submitters); PubMed 16140923 (cited by Women's Health and Genetics/Laboratory Corporation of America, LabCorp); PubMed 23836671 (cited by Women's Health and Genetics/Laboratory Corporation of America, LabCorp); PubMed 25925381 (cited by Women's Health and Genetics/Laboratory Corporation of America, LabCorp); PubMed 23761041 (cited by Women's Health and Genetics/Laboratory Corporation of America, LabCorp); PubMed 29415044 (cited by Women's Health and Genetics/Laboratory Corporation of America, LabCorp); PubMed 22585170 (cited by Women's Health and Genetics/Laboratory Corporation of America, LabCorp); PubMed 27602502 (cited by Women's Health and Genetics/Laboratory Corporation of America, LabCorp); PubMed 31054420 (cited by Women's Health and Genetics/Laboratory Corporation of America, LabCorp); PubMed 29681454 (cited by Women's Health and Genetics/Laboratory Corporation of America, LabCorp); PubMed 35752529 (cited by Women's Health and Genetics/Laboratory Corporation of America, LabCorp); PubMed 36243179 (cited by Women's Health and Genetics/Laboratory Corporation of America, LabCorp); PubMed 37097610 (cited by Women's Health and Genetics/Laboratory Corporation of America, LabCorp); PubMed 36409970 (cited by Women's Health and Genetics/Laboratory Corporation of America, LabCorp); PubMed 40275070 (cited by Women's Health and Genetics/Laboratory Corporation of America, LabCorp); PubMed 39521281 (cited by Women's Health and Genetics/Laboratory Corporation of America, LabCorp); PubMed 38927753 (cited by Women's Health and Genetics/Laboratory Corporation of America, LabCorp); PubMed 37663435 (cited by Women's Health and Genetics/Laboratory Corporation of America, LabCorp); PubMed 32065847 (cited by Women's Health and Genetics/Laboratory Corporation of America, LabCorp); PubMed 38489015 (cited by Women's Health and Genetics/Laboratory Corporation of America, LabCorp); PubMed 31278869 (cited by Women's Health and Genetics/Laboratory Corporation of America, LabCorp); PubMed 26633542 (cited by Labcorp Genetics (formerly Invitae), Labcorp); PubMed 33471991 (cited by Color Diagnostics, LLC DBA Color Health).